The following is an entry in ClinVar:

ClinVar aggregate classification (germline): Benign. Review status: criteria provided, multiple submitters, no conflicts (2 of 4 stars). 3 submissions from 3 submitters: Benign (3). Last evaluated 2018-11-12.

Conditions:
Smith-McCort dysplasia 2 (SMC2). Identifiers: MedGen C3714896, MONDO:0014087, OMIM 615222.

Allele frequency attached by ClinVar (database versions not stated): 1000 Genomes Project 30x 0.16740; 1000 Genomes Project 0.17133; TOPMed 0.19581; gnomAD 0.20953.
gnomAD v4.1: 376,964 of 1,552,520 alleles (24%); highest among the groups gnomAD compares: Non-Finnish European, 26%; 47,491 homozygotes.

Submissions (3):

GeneDx
Classification: Benign. Last evaluated: 2018-11-12. Review status: criteria provided, single submitter. Criteria: GeneDx Variant Classification Process June 2021. Collection method: clinical testing. Allele origin: germline. Affected: yes.

Illumina Laboratory Services, Illumina
Classification: Benign for Smith-McCort dysplasia 2. Last evaluated: 2017-04-27. Review status: criteria provided, single submitter. Criteria: ICSL Variant Classification Criteria 13 December 2019. Collection method: clinical testing. Allele origin: germline.
Comment: This variant was observed as part of a predisposition screen in an ostensibly healthy population. A literature search was performed for the gene, cDNA change, and amino acid change (where applicable). No publications were found based on this search. Allele frequency data from public databases was too high to be consistent with this variant causing disease. Therefore, this variant is classified as benign.

Breakthrough Genomics
Classification: Benign. Review status: criteria provided, single submitter. Criteria: ACMG Guidelines, 2015. Collection method: not provided. Allele origin: germline. Inheritance: Autosomal recessive inheritance. Affected: yes.

NM_031296.3(RAB33B):c.-54C>G

Genes: RAB33B (RAB33B, member RAS oncogene family; plus strand), LOC129993109 (ATAC-STARR-seq lymphoblastoid silent region 15700; plus strand). Cytogenetic location: 4q31.1.
Variant type: single nucleotide variant.
Coding change: c.-54C>G on transcript NM_031296.3 (MANE Select); 54 bases upstream of the start codon, C replaced by G.
Molecular consequence: 5 prime UTR variant.
Genome position (GRCh38, 1-based): chr4:139,454,142, C>G. VCF-style: chr4-139454142-C-G. GRCh37 (hg19) VCF-style: chr4-140375296-C-G.
Identifiers: ClinVar variation 347558 (VCV000347558.9), dbSNP rs13128486, ClinGen allele CA10617074.